The following is an entry in ClinVar:

NM_007186.6(CEP250):c.7207G>C (p.Glu2403Gln)

Gene: CEP250 (centrosomal protein 250; plus strand). Cytogenetic location: 20q11.22.
Variant type: single nucleotide variant.
Coding change: c.7207G>C on transcript NM_007186.6 (MANE Select); coding-DNA position 7207, G replaced by C.
Protein change: p.Glu2403Gln; replaces glutamic acid 2403 with glutamine.
Molecular consequence: missense variant.
Genome position (GRCh38, 1-based): chr20:35,511,504, G>C. VCF-style: chr20-35511504-G-C. GRCh37 (hg19) VCF-style: chr20-34099333-G-C.
Other names: c.5311G>C, p.Glu1771Gln (NM_001318219.1); short protein forms E1771Q, E2403Q.
Identifiers: ClinVar variation 963441 (VCV000963441.10), dbSNP rs2064359460, ClinGen allele CA408762273.
Genomic context (GRCh38, chr20:35,511,504, plus strand): 5'-GAGCTAGCAGGCCTGCACCACAGCCTCTCACACTCACTTCTTGCCGTGGCCCAGGCCCCT[G>C]AGGCCACTGTCCTGGAGGCAGAGACCCGCAGGCTGGATGAGTCCCTGACTCAAAGTCTGA-3'
Protein context (NP_009117.2, residues 2393-2413): HSLLAVAQAP[Glu2403Gln]ATVLEAETRR

ClinVar aggregate classification (germline): Uncertain significance (1 of 4 stars; one submission).

Allele frequency attached by ClinVar (database versions not stated): gnomAD exomes below 0.00001; TOPMed below 0.00001.
gnomAD v4.1: 1 of 1,614,162 alleles (0.000062%); highest among the groups gnomAD compares: African/African-American, 0.0013%; no homozygotes.

Submission:

Labcorp Genetics (formerly Invitae), Labcorp
Classification: Uncertain significance. Last evaluated: 2022-03-03. Review status: criteria provided, single submitter. Criteria: Invitae Variant Classification Sherloc (09022015). Collection method: clinical testing. Allele origin: germline.
Comment: ClinVar contains an entry for this variant (Variation ID: 963441). This sequence change replaces glutamic acid, which is acidic and polar, with glutamine, which is neutral and polar, at codon 2403 of the CEP250 protein (p.Glu2403Gln). Algorithms developed to predict the effect of missense changes on protein structure and function are either unavailable or do not agree on the potential impact of this missense change (SIFT: "Not Available"; PolyPhen-2: "Probably Damaging"; Align-GVGD: "Not Available"). In summary, the available evidence is currently insufficient to determine the role of this variant in disease. Therefore, it has been classified as a Variant of Uncertain Significance. This variant has not been reported in the literature in individuals affected with CEP250-related conditions. This variant is not present in population databases (gnomAD no frequency).